The following is an entry in ClinVar:

NM_007040.6(HNRNPUL1):c.1228C>T (p.Arg410Trp)

Gene: HNRNPUL1 (heterogeneous nuclear ribonucleoprotein U like 1; plus strand). Cytogenetic location: 19q13.2.
Variant type: single nucleotide variant.
Coding change: c.1228C>T on transcript NM_007040.6 (MANE Select); coding-DNA position 1228, C replaced by T.
Protein change: p.Arg410Trp; replaces arginine 410 with tryptophan.
Molecular consequence: missense variant.
Genome position (GRCh38, 1-based): chr19:41,292,473, C>T. VCF-style: chr19-41292473-C-T. GRCh37 (hg19) VCF-style: chr19-41798378-C-T.
Other names: c.961C>T, p.Arg321Trp (NM_001301016.3); c.928C>T, p.Arg310Trp (NM_001321208.2, NM_001321211.2, NM_144732.5); short protein forms R310W, R410W, R321W.
Identifiers: ClinVar variation 2692494 (VCV002692494.1), dbSNP rs778553397, ClinGen allele CA405984001.
Genomic context (GRCh38, chr19:41,292,473, plus strand): 5'-TACTGTTCTGTCCTCCCGGGGTTTACCTTCATCCAGCACCTTCCCCTTAGTGAGCGTATC[C>T]GGGGCACCGTTGGACCAAAGAGCAAGGCAGAATGTGAGGTGAGTGGGGCCAGAATGTATT-3'
Protein context (NP_008971.2, residues 400-420): IQHLPLSERI[Arg410Trp]GTVGPKSKAE

ClinVar aggregate classification (germline): Uncertain significance (1 of 4 stars; one submission).

Submission:

Greenwood Genetic Center Diagnostic Laboratories, Greenwood Genetic Center
Classification: Uncertain significance. Last evaluated: 2023-12-07. Review status: criteria provided, single submitter. Criteria: ACMG Guidelines, 2015. Collection method: clinical testing. Allele origin: germline. Affected: yes.
Comment: Gene of Uncertain Significance